The following is an entry in ClinVar:

ClinVar aggregate classification (germline): Conflicting classifications of pathogenicity. Review status: criteria provided, conflicting classifications (1 of 4 stars). 5 submissions from 5 submitters: Uncertain significance (3); Likely benign (1). 1 of the submissions does not count toward it. Last evaluated 2025-12-16.

Conditions:
COL11A2-related disorder. Also called: COL11A2-related condition; COL11A2-related disorders.
Disproportionate short-limb short stature. Identifiers: MedGen C1849937, HP:0008873.
Reduced bone mineral density. Identifiers: MedGen C2674432, HP:0004349.
Long philtrum. Identifiers: MedGen C1865014, HP:0000343.
Short lingual frenulum. Identifiers: MedGen C0426501, HP:0000200.
Short chin. Also called: Small chin. Identifiers: MedGen C3697248, HP:0000331.
Abnormal eyebrow morphology. Also called: Abnormality of the eyebrow. Identifiers: MedGen C4011556, HP:0000534.
Conductive hearing impairment. Also called: Conductive hearing loss disorder. Identifiers: MedGen C0018777, MONDO:0020679, HP:0000405.
Single transverse palmar crease. Identifiers: MedGen C0424731, HP:0000954.
Macrocephaly. Also called: Macrocephalus; large head. Identifiers: MedGen C2243051, HP:0000256.

Allele frequency attached by ClinVar (database versions not stated): ExAC 0.00002; TOPMed 0.00003; gnomAD exomes 0.00004; gnomAD 0.00006 and 0.00007.
gnomAD v4.1: 62 of 1,611,682 alleles (0.0038%); highest among the groups gnomAD compares: Non-Finnish European, 0.0036%; no homozygotes.

Submissions (5):

Labcorp Genetics (formerly Invitae), Labcorp
Classification: Likely benign. Last evaluated: 2025-12-16. Review status: criteria provided, single submitter. Criteria: Invitae Variant Classification Sherloc (09022015). Collection method: clinical testing. Allele origin: germline.

PreventionGenetics, part of Exact Sciences
Classification: Uncertain significance for COL11A2-related condition. Last evaluated: 2025-09-09. Review status: criteria provided, single submitter. Criteria: ACMG Guidelines, 2015. Collection method: clinical testing. Allele origin: germline.
Comment: The COL11A2 c.4559G>A variant is predicted to result in the amino acid substitution p.Arg1520His. To our knowledge, this variant has not been reported in the literature. This variant is reported in 0.035% of alleles in individuals of European (Finnish) descent in gnomAD. At this time, the clinical significance of this variant is uncertain due to the absence of conclusive functional and genetic evidence.

Blueprint Genetics
Classification: Uncertain significance. Last evaluated: 2024-06-28. Review status: criteria provided, single submitter. Criteria: ACMG Guidelines, 2015. Collection method: clinical testing. Allele origin: germline.

Laboratory for Molecular Medicine, Mass General Brigham Personalized Medicine
Classification: Uncertain significance. Last evaluated: 2015-04-17. Review status: criteria provided, single submitter. Criteria: LMM Criteria. Collection method: clinical testing. Allele origin: germline. Observed: 1 variant allele.
Comment: The p.Arg1520His variant in COL11A2 has not been previously reported in individu als with hearing loss, but has been identified in 2/65948 of European chromosome s by the Exome Aggregation Consortium (ExAC). Al though this variant has been seen in the general population, its frequency is no t high enough to rule out a pathogenic role. Computational prediction tools and conservation analysis do not provide strong support for or against an impact to the protein. In summary, the clinical significance of the p.Arg1520His variant i s uncertain.

Centre for Mendelian Genomics, University Medical Centre Ljubljana
Classification: Uncertain significance for Abnormal eyebrow morphology; Conductive hearing impairment; Disproportionate short-limb short stature; Long philtrum; Macrocephaly; Reduced bone mineral density; Short chin; Short lingual frenulum; Single transverse palmar crease. Last evaluated: 2016-08-18. Review status: no assertion criteria provided. Collection method: clinical testing. Allele origin: unknown. Affected: yes. Not counted in ClinVar's aggregate classification.

NM_080680.3(COL11A2):c.4559G>A (p.Arg1520His)

Gene: COL11A2 (collagen type XI alpha 2 chain; minus strand). Cytogenetic location: 6p21.32.
Variant type: single nucleotide variant.
Coding change: c.4559G>A on transcript NM_080680.3 (MANE Select); coding-DNA position 4559, G replaced by A.
Protein change: p.Arg1520His; replaces arginine 1520 with histidine.
Molecular consequence: missense variant.
Genome position (GRCh38, 1-based): chr6:33,165,740, C>T on the plus strand (G>A on the coding strand, the complement: COL11A2 is on the minus strand). VCF-style: chr6-33165740-C-T. GRCh37 (hg19) VCF-style: chr6-33133517-C-T.
Other names: c.4238G>A, p.Arg1413His (NM_080679.3); c.4301G>A, p.Arg1434His (NM_080681.3); short protein forms R1520H, R1413H, R1434H.
Identifiers: ClinVar variation 228536 (VCV000228536.15), dbSNP rs772567850, ClinGen allele CA3750050.